The following is an entry in ClinVar:

ClinVar aggregate classification (germline): Pathogenic/Likely pathogenic. Review status: criteria provided, multiple submitters, no conflicts (2 of 4 stars). 3 submissions from 3 submitters: Pathogenic (2); Likely pathogenic (1). Last evaluated 2024-02-28.

Conditions:
Autosomal recessive nonsyndromic hearing loss 4 (DFNB4). Also called: Deafness, autosomal recessive 4, with enlarged vestibular aqueduct; FOXI1-Related Pendred Syndrome; KCNJ10-Related Pendred Syndrome; DEAFNESS, AUTOSOMAL RECESSIVE 4, WITH ENLARGED VESTIBULAR AQUEDUCT, DIGENIC; Deafness, autosomal recessive 4; Enlarged vestibular aqueduct, digenic. Identifiers: Orphanet 90636, MedGen C3538946, MONDO:0010933, OMIM 600791.

Allele frequency attached by ClinVar (database versions not stated): gnomAD 0.00001.
gnomAD v4.1: 4 of 1,568,208 alleles (0.00026%); highest among the groups gnomAD compares: African/African-American, 0.0014%; no homozygotes.

Submissions (3):

GeneDx
Classification: Likely pathogenic. Last evaluated: 2024-02-28. Review status: criteria provided, single submitter. Criteria: GeneDx Variant Classification Process June 2021. Collection method: clinical testing. Allele origin: germline. Affected: yes.
Comment: Observed with a second variant in a patient with features consistent with Pendred syndrome in published literature with and testing of family members suggest the variants are likely present on opposite alleles (in trans) (PMID: 18250610); Canonical splice site variant predicted to result in an in-frame loss of the adjacent exon in a gene for which loss of function is a known mechanism of disease; Not observed at significant frequency in large population cohorts (gnomAD); Also known as IVS9-1G>A; This variant is associated with the following publications: (PMID: 25525159, 18250610)

Baylor Genetics
Classification: Pathogenic for Autosomal recessive nonsyndromic hearing loss 4. Last evaluated: 2024-01-07. Review status: criteria provided, single submitter. Criteria: ACMG Guidelines, 2015. Collection method: clinical testing. Allele origin: unknown.

Labcorp Genetics (formerly Invitae), Labcorp
Classification: Pathogenic. Last evaluated: 2020-09-07. Review status: criteria provided, single submitter. Criteria: Invitae Variant Classification Sherloc (09022015). Collection method: clinical testing. Allele origin: germline.
Comment: For these reasons, this variant has been classified as Pathogenic. Donor and acceptor splice site variants typically lead to a loss of protein function (PMID: 16199547), and loss-of-function variants in SLC26A4 are known to be pathogenic (PMID: 16283880, 25394566, 26252218, 26445815). Algorithms developed to predict the effect of sequence changes on RNA splicing suggest that this variant may disrupt the consensus splice site, but this prediction has not been confirmed by published transcriptional studies. This variant has been observed in individual(s) with Pendred syndrome (PMID: 18250610). In at least one individual the data is consistent with the variant being in trans (on the opposite chromosome) from a pathogenic variant. It is also known as IVS9-1G>A in the literature. This variant is not present in population databases (ExAC no frequency). This sequence change affects an acceptor splice site in intron 9 of the SLC26A4 gene. It is expected to disrupt RNA splicing and likely results in an absent or disrupted protein product.

Literature cited by the submitters: PubMed 16199547 (cited by Labcorp Genetics (formerly Invitae), Labcorp); PubMed 16283880 (cited by Labcorp Genetics (formerly Invitae), Labcorp); PubMed 25394566 (cited by Labcorp Genetics (formerly Invitae), Labcorp); PubMed 26252218 (cited by Labcorp Genetics (formerly Invitae), Labcorp); PubMed 26445815 (cited by Labcorp Genetics (formerly Invitae), Labcorp); PubMed 18250610 (cited by Labcorp Genetics (formerly Invitae), Labcorp).

NM_000441.2(SLC26A4):c.1150-1G>A

Gene: SLC26A4 (solute carrier family 26 member 4; plus strand). Cytogenetic location: 7q22.3.
Variant type: single nucleotide variant.
Coding change: c.1150-1G>A on transcript NM_000441.2 (MANE Select); the canonical splice acceptor site of the intron before coding-DNA position 1150, G replaced by A.
Molecular consequence: splice acceptor variant.
Genome position (GRCh38, 1-based): chr7:107,690,123, G>A. VCF-style: chr7-107690123-G-A. GRCh37 (hg19) VCF-style: chr7-107330568-G-A.
Identifiers: ClinVar variation 1075641 (VCV001075641.12), dbSNP rs1791525285, ClinGen allele CA368839073.